The following is an entry in ClinVar:

NM_003185.4(TAF4):c.1032C>T (p.Ala344=)

Gene: TAF4 (TATA-box binding protein associated factor 4; minus strand). Cytogenetic location: 20q13.33.
Variant type: single nucleotide variant.
Coding change: c.1032C>T on transcript NM_003185.4 (MANE Select); coding-DNA position 1032, C replaced by T.
Protein change: p.Ala344=; no amino-acid change (alanine 344 retained).
Molecular consequence: synonymous variant.
Genome position (GRCh38, 1-based): chr20:62,064,779, G>A on the plus strand (C>T on the coding strand, the complement: TAF4 is on the minus strand). VCF-style: chr20-62064779-G-A. GRCh37 (hg19) VCF-style: chr20-60639835-G-A.
Identifiers: ClinVar variation 5039869 (VCV005039869.1).

ClinVar aggregate classification (germline): Likely benign (1 of 4 stars; one submission).

gnomAD v4.1: 5 of 1,097,500 alleles (0.00046%); highest among the groups gnomAD compares: Admixed American, 0.01%; no homozygotes.

Submission:

CeGaT Center for Human Genetics Tuebingen
Classification: Likely benign. Last evaluated: 2026-07-01. Review status: criteria provided, single submitter. Criteria: CeGaT Center For Human Genetics Tuebingen Variant Classification Criteria Version 2. Collection method: clinical testing. Allele origin: germline. Affected: yes. Observed: 1 variant allele.
Comment: TAF4: BP4, BP7